The following is an entry in ClinVar:

NM_182931.3(KMT2E):c.1561A>T (p.Lys521Ter)

Gene: KMT2E (lysine methyltransferase 2E (inactive); plus strand). Cytogenetic location: 7q22.3.
Variant type: single nucleotide variant.
Coding change: c.1561A>T on transcript NM_182931.3 (MANE Select); coding-DNA position 1561, A replaced by T.
Protein change: p.Lys521Ter; replaces lysine 521 with a stop codon.
Molecular consequence: nonsense.
Genome position (GRCh38, 1-based): chr7:105,090,211, A>T. VCF-style: chr7-105090211-A-T. GRCh37 (hg19) VCF-style: chr7-104730658-A-T.
Other names: c.1561A>T, p.Lys521Ter (NM_001410908.1, NM_018682.4); short protein forms K521*.
Identifiers: ClinVar variation 2849169 (VCV002849169.3), dbSNP rs759897255, ClinGen allele CA368782534.

ClinVar aggregate classification (germline): Pathogenic (1 of 4 stars; one submission).

Submission:

Labcorp Genetics (formerly Invitae), Labcorp
Classification: Pathogenic. Last evaluated: 2023-03-24. Review status: criteria provided, single submitter. Criteria: Invitae Variant Classification Sherloc (09022015). Collection method: clinical testing. Allele origin: germline.
Comment: For these reasons, this variant has been classified as Pathogenic. This variant has not been reported in the literature in individuals affected with KMT2E-related conditions. This variant is not present in population databases (gnomAD no frequency). This sequence change creates a premature translational stop signal (p.Lys521*) in the KMT2E gene. It is expected to result in an absent or disrupted protein product. Loss-of-function variants in KMT2E are known to be pathogenic (PMID: 31079897).

Literature cited by the submitters: PubMed 31079897.